The following is an entry in ClinVar:

ClinVar aggregate classification (germline): Uncertain significance. Review status: criteria provided, multiple submitters, no conflicts (2 of 4 stars). 2 submissions from 2 submitters: Uncertain significance (2). Last evaluated 2025-06-22.

Conditions:
Inborn genetic diseases. Identifiers: MedGen C0950123, MeSH D030342.
Familial infantile myasthenia (CMS6). Also called: MYASTHENIC SYNDROME, CONGENITAL, 6, PRESYNAPTIC; Congenital myasthenic syndrome type 6; MYASTHENIC SYNDROME, PRESYNAPTIC, CONGENITAL, ASSOCIATED WITH EPISODIC APNEA. Identifiers: Orphanet 590, MedGen C0393929, MONDO:0009689, OMIM 254210.

Allele frequency attached by ClinVar (database versions not stated): gnomAD exomes 0.00001; TOPMed 0.00001; gnomAD 0.00002.
gnomAD v4.1: 15 of 1,547,038 alleles (0.00097%); highest among the groups gnomAD compares: Non-Finnish European, 0.0013%; no homozygotes.

Submissions (2):

Labcorp Genetics (formerly Invitae), Labcorp
Classification: Uncertain significance for Familial infantile myasthenia. Last evaluated: 2025-06-22. Review status: criteria provided, single submitter. Criteria: Invitae Variant Classification Sherloc (09022015). Collection method: clinical testing. Allele origin: germline.
Comment: This sequence change replaces histidine, which is basic and polar, with arginine, which is basic and polar, at codon 77 of the CHAT protein (p.His77Arg). This variant is present in population databases (no rsID available, gnomAD 0.007%). This variant has not been reported in the literature in individuals affected with CHAT-related conditions. ClinVar contains an entry for this variant (Variation ID: 1385765). Invitae Evidence Modeling of protein sequence and biophysical properties (such as structural, functional, and spatial information, amino acid conservation, physicochemical variation, residue mobility, and thermodynamic stability) indicates that this missense variant is not expected to disrupt CHAT protein function with a negative predictive value of 95%. In summary, the available evidence is currently insufficient to determine the role of this variant in disease. Therefore, it has been classified as a Variant of Uncertain Significance.

Ambry Genetics
Classification: Uncertain significance for Inborn genetic diseases. Last evaluated: 2023-12-20. Review status: criteria provided, single submitter. Criteria: Ambry Variant Classification Scheme 2023. Collection method: clinical testing. Allele origin: germline.

NM_020549.5(CHAT):c.230A>G (p.His77Arg)

Gene: CHAT (choline O-acetyltransferase; plus strand). Cytogenetic location: 10q11.23.
Variant type: single nucleotide variant.
Coding change: c.230A>G on transcript NM_020549.5 (MANE Select); coding-DNA position 230, A replaced by G.
Protein change: p.His77Arg; replaces histidine 77 with arginine.
Molecular consequence: missense variant. On other transcripts: 5 prime UTR variant (4), intron variant (2).
Genome position (GRCh38, 1-based): chr10:49,614,419, A>G. VCF-style: chr10-49614419-A-G. GRCh37 (hg19) VCF-style: chr10-50822465-A-G.
Other names: c.230A>G (NM_020549.4); c.-125A>G (NM_001142929.2, NM_020985.4); c.-87A>G (NM_001142933.2); c.-195A>G (NM_001142934.2); c.-68-2083A>G (NM_020984.4); c.-69+1217A>G (NM_020986.4); short protein forms H77R.
Identifiers: ClinVar variation 1385765 (VCV001385765.7), dbSNP rs1158850299, ClinGen allele CA376725372.
Genomic context (GRCh38, chr10:49,614,419, plus strand): 5'-GCAGCCCCCACCCCCGCGCTGCGACACGCCCCCCACCCCTTCCGGCTCACACCCCCGCCC[A>G]CACTCCTGAGTGGTGCGGTGCAGCGTCGGCCGAGGCAGCAGAGCCGAGGAGAGCAGGTGA-3'
Protein context (NP_065574.4, residues 67-87): PPPLPAHTPA[His77Arg]TPEWCGAASA